The following is an entry in ClinVar:

ClinVar aggregate classification (germline): Uncertain significance. Review status: criteria provided, multiple submitters, no conflicts (2 of 4 stars). 2 submissions from 2 submitters: Uncertain significance (2). Last evaluated 2024-10-16.

Conditions:
Epilepsy, childhood absence, susceptibility to, 6. Identifiers: Orphanet 64280, MedGen C2749872, MONDO:0012763, OMIM 611942.
Hyperaldosteronism, familial, type IV (HALD4). Also called: FH IV; ALDOSTERONISM, PRIMARY, AND HYPERTENSION. Identifiers: Orphanet 642671, MedGen C4310756, MONDO:0014875, OMIM 617027.
Idiopathic generalized epilepsy. Also called: Generalised epilepsy; EIG. Identifiers: MedGen C0270850, MONDO:0005579, OMIM 600669.

Allele frequency attached by ClinVar (database versions not stated): ExAC 0.00001; gnomAD 0.00001; gnomAD exomes 0.00002; TOPMed 0.00002.
gnomAD v4.1: 15 of 1,601,358 alleles (0.00094%); highest among the groups gnomAD compares: Admixed American, 0.0051%; no homozygotes.

Submissions (2):

Labcorp Genetics (formerly Invitae), Labcorp
Classification: Uncertain significance for Idiopathic generalized epilepsy; Hyperaldosteronism, familial, type IV. Last evaluated: 2024-10-16. Review status: criteria provided, single submitter. Criteria: Invitae Variant Classification Sherloc (09022015). Collection method: clinical testing. Allele origin: germline.
Comment: This sequence change replaces arginine, which is basic and polar, with cysteine, which is neutral and slightly polar, at codon 1803 of the CACNA1H protein (p.Arg1803Cys). The frequency data for this variant in the population databases is considered unreliable, as metrics indicate poor data quality at this position in the gnomAD database. This variant has not been reported in the literature in individuals affected with CACNA1H-related conditions. ClinVar contains an entry for this variant (Variation ID: 1443406). Invitae Evidence Modeling of protein sequence and biophysical properties (such as structural, functional, and spatial information, amino acid conservation, physicochemical variation, residue mobility, and thermodynamic stability) indicates that this missense variant is expected to disrupt CACNA1H protein function with a positive predictive value of 80%. In summary, the available evidence is currently insufficient to determine the role of this variant in disease. Therefore, it has been classified as a Variant of Uncertain Significance.

Fulgent Genetics
Classification: Uncertain significance for Epilepsy, childhood absence, susceptibility to, 6; Hyperaldosteronism, familial, type IV. Last evaluated: 2021-12-16. Review status: criteria provided, single submitter. Criteria: ACMG Guidelines, 2015. Collection method: clinical testing. Allele origin: unknown.

NM_021098.3(CACNA1H):c.5407C>T (p.Arg1803Cys)

Gene: CACNA1H (calcium voltage-gated channel subunit alpha1 H; plus strand). Cytogenetic location: 16p13.3.
Variant type: single nucleotide variant.
Coding change: c.5407C>T on transcript NM_021098.3 (MANE Select); coding-DNA position 5407, C replaced by T.
Protein change: p.Arg1803Cys; replaces arginine 1803 with cysteine.
Molecular consequence: missense variant.
Genome position (GRCh38, 1-based): chr16:1,218,002, C>T. VCF-style: chr16-1218002-C-T. GRCh37 (hg19) VCF-style: chr16-1268002-C-T.
Other names: c.5389C>T, p.Arg1797Cys (NM_001005407.2); short protein forms R1797C, R1803C.
Identifiers: ClinVar variation 1443406 (VCV001443406.9), dbSNP rs767277197, ClinGen allele CA7801996.
Genomic context (GRCh38, chr16:1,218,002, plus strand): 5'-GAGGGCCTGAGCAGGCACGCCACCTTCAGCAACTTCGGCATGGCCTTCCTCACGCTGTTC[C>T]GCGTGTCCACGGGGGACAACTGGAACGGGATCATGAAGGTACCCGCCGCGGCCATGCCTC-3'
Protein context (NP_066921.2, residues 1793-1813): NFGMAFLTLF[Arg1803Cys]VSTGDNWNGI